The following is an entry in ClinVar:

ClinVar aggregate classification (germline): Uncertain significance (1 of 4 stars; one submission).

Conditions:
Alagille syndrome due to a JAG1 point mutation. Also called: HEPATIC DUCTULAR HYPOPLASIA, SYNDROMATIC; JAG1-Related Alagille Syndrome; Alagille Syndrome 1. Identifiers: Orphanet 261619, Orphanet 52, MedGen C1956125, MONDO:0016862, OMIM 118450.

Submission:

Labcorp Genetics (formerly Invitae), Labcorp
Classification: Uncertain significance for Alagille syndrome due to a JAG1 point mutation. Last evaluated: 2021-10-17. Review status: criteria provided, single submitter. Criteria: Invitae Variant Classification Sherloc (09022015). Collection method: clinical testing. Allele origin: germline.
Comment: This sequence change replaces proline with leucine at codon 123 of the JAG1 protein (p.Pro123Leu). The proline residue is highly conserved and there is a moderate physicochemical difference between proline and leucine. This variant is not present in population databases (ExAC no frequency). In summary, the available evidence is currently insufficient to determine the role of this variant in disease. Therefore, it has been classified as a Variant of Uncertain Significance. This variant has not been reported in the literature in individuals affected with JAG1-related conditions. Algorithms developed to predict the effect of missense changes on protein structure and function (SIFT, PolyPhen-2, Align-GVGD) all suggest that this variant is likely to be disruptive.

NM_000214.3(JAG1):c.368C>T (p.Pro123Leu)

Gene: JAG1 (jagged canonical Notch ligand 1; minus strand). Cytogenetic location: 20p12.2.
Variant type: single nucleotide variant.
Coding change: c.368C>T on transcript NM_000214.3 (MANE Select); coding-DNA position 368, C replaced by T.
Protein change: p.Pro123Leu; replaces proline 123 with leucine.
Molecular consequence: missense variant.
Genome position (GRCh38, 1-based): chr20:10,672,720, G>A on the plus strand (C>T on the coding strand, the complement: JAG1 is on the minus strand). VCF-style: chr20-10672720-G-A. GRCh37 (hg19) VCF-style: chr20-10653368-G-A.
Other names: short protein forms P123L.
Identifiers: ClinVar variation 1400108 (VCV001400108.6), dbSNP rs2122644329, ClinGen allele CA408242412.